The following is an entry in ClinVar:

NM_000384.3(APOB):c.10701G>T (p.Thr3567=)

Gene: APOB (apolipoprotein B; minus strand). Cytogenetic location: 2p24.1.
Variant type: single nucleotide variant.
Coding change: c.10701G>T on transcript NM_000384.3 (MANE Select); coding-DNA position 10701, G replaced by T.
Protein change: p.Thr3567=; no amino-acid change (threonine 3567 retained).
Molecular consequence: synonymous variant.
Genome position (GRCh38, 1-based): chr2:21,006,167, C>A on the plus strand (G>T on the coding strand, the complement: APOB is on the minus strand). VCF-style: chr2-21006167-C-A. GRCh37 (hg19) VCF-style: chr2-21229039-C-A.
Identifiers: ClinVar variation 544110 (VCV000544110.17), dbSNP rs12713558, ClinGen allele CA044419.

ClinVar aggregate classification (germline): Likely benign. Review status: criteria provided, multiple submitters, no conflicts (2 of 4 stars). 3 submissions from 3 submitters: Likely benign (2). 1 of the submissions does not count toward it. Last evaluated 2025-10-06.

Conditions:
Cardiovascular phenotype. Identifiers: MedGen CN230736.
APOB-related disorder. Also called: APOB-related condition; APOB-related disorders.
Familial hypobetalipoproteinemia 1. Also called: Hypobetalipoproteinemia, normotriglyceridemic; Acanthocytosis with hypobetalipoproteinemia; APOB-Related Familial Hypobetalipoproteinemia. Identifiers: MedGen C4551990, MONDO:0014252, OMIM 615558.
Hypercholesterolemia, autosomal dominant, type B (FHCL2). Also called: Familial hypercholesterolemia 2; APOB-Related Familial Hypercholesterolemia, Autosomal Dominant; HYPERCHOLESTEROLEMIA, FAMILIAL, DUE TO LIGAND-DEFECTIVE APOLIPOPROTEIN B; Hyperlipoproteinemia Type IIb; Familial Hypercholesterolemia Type B; APOLIPOPROTEIN B-100, FAMILIAL DEFECTIVE. Identifiers: MedGen C1704417, MONDO:0007751, OMIM 144010.

Allele frequency attached by ClinVar (database versions not stated): TOPMed 0.00002; 1000 Genomes Project 30x 0.00016.
gnomAD v4.1: 16 of 1,613,954 alleles (0.00099%); highest among the groups gnomAD compares: East Asian, 0.036%; no homozygotes.

Submissions (3):

Labcorp Genetics (formerly Invitae), Labcorp
Classification: Likely benign for Familial hypobetalipoproteinemia 1; Hypercholesterolemia, autosomal dominant, type B. Last evaluated: 2025-10-06. Review status: criteria provided, single submitter. Criteria: Invitae Variant Classification Sherloc (09022015). Collection method: clinical testing. Allele origin: germline.

Ambry Genetics
Classification: Likely benign for Cardiovascular phenotype. Last evaluated: 2021-10-24. Review status: criteria provided, single submitter. Criteria: Ambry Variant Classification Scheme 2023. Collection method: clinical testing. Allele origin: germline.

PreventionGenetics, part of Exact Sciences
Classification: Likely benign for APOB-related condition. Last evaluated: 2021-08-13. Review status: no assertion criteria provided. Collection method: clinical testing. Allele origin: germline. Not counted in ClinVar's aggregate classification.
Comment: This variant is classified as likely benign based on ACMG/AMP sequence variant interpretation guidelines (Richards et al. 2015 PMID: 25741868, with internal and published modifications).